The following is an entry in ClinVar:

NM_000059.4(BRCA2):c.6410A>G (p.Asn2137Ser)

Gene: BRCA2 (BRCA2 DNA repair associated; plus strand). Cytogenetic location: 13q13.1.
Variant type: single nucleotide variant.
Coding change: c.6410A>G on transcript NM_000059.4 (MANE Select); coding-DNA position 6410, A replaced by G.
Protein change: p.Asn2137Ser; replaces asparagine 2137 with serine.
Molecular consequence: missense variant.
Genome position (GRCh38, 1-based): chr13:32,340,765, A>G. VCF-style: chr13-32340765-A-G. GRCh37 (hg19) VCF-style: chr13-32914902-A-G.
Other names: short protein forms N2137S.
Identifiers: ClinVar variation 619643 (VCV000619643.19), dbSNP rs1566234528, ClinGen allele CA387789260.

ClinVar aggregate classification (germline): Conflicting classifications of pathogenicity. Review status: criteria provided, conflicting classifications (1 of 4 stars). 4 submissions from 4 submitters: Uncertain significance (3); Likely benign (1). Last evaluated 2025-06-13.

Conditions:
Hereditary breast ovarian cancer syndrome. Also called: Hereditary breast and ovarian cancer; Hereditary breast and ovarian cancer syndrome (HBOC); Breast and ovarian cancer; BRCA1- and BRCA2-Associated Hereditary Breast and Ovarian Cancer; Hereditary breast and/or ovarian cancer syndrome; Hereditary breast and ovarian cancer syndrome. Identifiers: Orphanet 145, MedGen C0677776, MeSH D061325, MONDO:0003582. Disease mechanism: loss of function.
Hereditary cancer-predisposing syndrome. Also called: Neoplastic Syndromes, Hereditary; Hereditary neoplastic syndrome; Tumor predisposition; Hereditary Cancer Syndrome. Identifiers: Orphanet 140162, MedGen C0027672, MeSH D009386, MONDO:0015356.

Allele frequency attached by ClinVar (database versions not stated): gnomAD exomes below 0.00001.
gnomAD v4.1: 1 of 1,600,424 alleles (0.000062%); highest among the groups gnomAD compares: Non-Finnish European, 0.000085%; no homozygotes.

Submissions (4):

Ambry Genetics
Classification: Uncertain significance for Hereditary cancer-predisposing syndrome. Last evaluated: 2025-06-13. Review status: criteria provided, single submitter. Criteria: Ambry Variant Classification Scheme 2023. Collection method: clinical testing. Allele origin: germline.
Comment: The p.N2137S variant (also known as c.6410A>G), located in coding exon 10 of the BRCA2 gene, results from an A to G substitution at nucleotide position 6410. The asparagine at codon 2137 is replaced by serine, an amino acid with highly similar properties. This amino acid position is not well conserved in available vertebrate species. In addition, this alteration is predicted to be tolerated by in silico analysis. Since supporting evidence is limited at this time, the clinical significance of this alteration remains unclear.

University of Washington Department of Laboratory Medicine, University of Washington
Classification: Likely benign for Hereditary cancer-predisposing syndrome. Last evaluated: 2023-03-23. Review status: criteria provided, single submitter. Criteria: Dines et al. (Genet Med. 2020). Collection method: curation. Allele origin: germline.
Comment: Missense variant in a coldspot region where missense variants are very unlikely to be pathogenic (PMID:31911673).

BRCA2 exon 11 coldspot. Reclassification based on statistical prior probability.

Labcorp Genetics (formerly Invitae), Labcorp
Classification: Uncertain significance for Hereditary breast ovarian cancer syndrome. Last evaluated: 2022-05-18. Review status: criteria provided, single submitter. Criteria: Invitae Variant Classification Sherloc (09022015). Collection method: clinical testing. Allele origin: germline.
Comment: This sequence change replaces asparagine, which is neutral and polar, with serine, which is neutral and polar, at codon 2137 of the BRCA2 protein (p.Asn2137Ser). This variant is not present in population databases (gnomAD no frequency). This variant has not been reported in the literature in individuals affected with BRCA2-related conditions. ClinVar contains an entry for this variant (Variation ID: 619643). Advanced modeling of protein sequence and biophysical properties (such as structural, functional, and spatial information, amino acid conservation, physicochemical variation, residue mobility, and thermodynamic stability) performed at Invitae indicates that this missense variant is not expected to disrupt BRCA2 protein function. In summary, the available evidence is currently insufficient to determine the role of this variant in disease. Therefore, it has been classified as a Variant of Uncertain Significance.

Quest Diagnostics Nichols Institute San Juan Capistrano
Classification: Uncertain significance. Last evaluated: 2017-12-15. Review status: criteria provided, single submitter. Criteria: Quest Diagnostics criteria. Collection method: clinical testing. Allele origin: germline.